The following is an entry in ClinVar:

NM_033026.6(PCLO):c.1471C>T (p.Pro491Ser)

Gene: PCLO (piccolo presynaptic cytomatrix protein; minus strand). Cytogenetic location: 7q21.11.
Variant type: single nucleotide variant.
Coding change: c.1471C>T on transcript NM_033026.6 (MANE Select); coding-DNA position 1471, C replaced by T.
Protein change: p.Pro491Ser; replaces proline 491 with serine.
Molecular consequence: missense variant.
Genome position (GRCh38, 1-based): chr7:83,155,170, G>A on the plus strand (C>T on the coding strand, the complement: PCLO is on the minus strand). VCF-style: chr7-83155170-G-A. GRCh37 (hg19) VCF-style: chr7-82784486-G-A.
Other names: c.1471C>T, p.Pro491Ser (NM_014510.3); short protein forms P491S.
Identifiers: ClinVar variation 1474951 (VCV001474951.6), dbSNP rs767318084, ClinGen allele CA4321450.

ClinVar aggregate classification (germline): Uncertain significance. Review status: criteria provided, multiple submitters, no conflicts (2 of 4 stars). 2 submissions from 2 submitters: Uncertain significance (2). Last evaluated 2021-09-24.

Allele frequency attached by ClinVar (database versions not stated): gnomAD 0.00004.
gnomAD v4.1: 121 of 1,569,382 alleles (0.0077%); highest among the groups gnomAD compares: South Asian, 0.12%; 3 homozygotes.

Submissions (2):

Labcorp Genetics (formerly Invitae), Labcorp
Classification: Uncertain significance. Last evaluated: 2021-09-24. Review status: criteria provided, single submitter. Criteria: Invitae Variant Classification Sherloc (09022015). Collection method: clinical testing. Allele origin: germline.
Comment: This sequence change replaces proline with serine at codon 491 of the PCLO protein (p.Pro491Ser). The proline residue is weakly conserved and there is a moderate physicochemical difference between proline and serine. This variant is present in population databases (rs767318084, ExAC 0.1%). This variant has not been reported in the literature in individuals with PCLO-related conditions. Algorithms developed to predict the effect of missense changes on protein structure and function output the following: SIFT: "Tolerated"; PolyPhen-2: "Benign"; Align-GVGD: "Class C0". The serine amino acid residue is found in multiple mammalian species, suggesting that this missense change does not adversely affect protein function. These predictions have not been confirmed by published functional studies and their clinical significance is uncertain. In summary, the available evidence is currently insufficient to determine the role of this variant in disease. Therefore, it has been classified as a Variant of Uncertain Significance.

Breakthrough Genomics
Classification: Uncertain significance. Review status: criteria provided, single submitter. Criteria: ACMG Guidelines, 2015. Collection method: not provided. Allele origin: germline. Inheritance: Autosomal recessive inheritance. Affected: yes.